The following is an entry in ClinVar:

NM_007194.4(CHEK2):c.1375+1_1375+2del

Gene: CHEK2 (checkpoint kinase 2; minus strand). Cytogenetic location: 22q12.1.
Variant type: Deletion.
Coding change: c.1375+1_1375+2del on transcript NM_007194.4 (MANE Select); the canonical splice donor site of the intron after coding-DNA position 1375, 2 bases deleted (GT; older notation c.1375+1_1375+2delGT).
Molecular consequence: splice donor variant.
Genome position (GRCh38, 1-based): chr22:28,695,125-28,695,126, AC deleted on the plus strand (GT on the coding strand, the reverse complement: CHEK2 is on the minus strand). VCF-style (leftmost placement, unchanged base first): chr22-28695124-TAC-T. GRCh37 (hg19) VCF-style: chr22-29091112-TAC-T.
Other names: c.712+1_712+2del (NM_001437942.1, NM_001257387.3); c.1174+1_1174+2del (NM_001349956.3); c.1288+1_1288+2del (NM_145862.3); c.1381+1_1381+2del (NM_001438295.1); c.1468+1_1468+2del (NM_001438293.1); c.1417+1_1417+2del (NM_001438294.1); c.1504+1_1504+2del (NM_001005735.3).
Identifiers: ClinVar variation 234023 (VCV000234023.15), dbSNP rs876660801, ClinGen allele CA10581036.

ClinVar aggregate classification (germline): Likely pathogenic. Review status: criteria provided, multiple submitters, no conflicts (2 of 4 stars). 4 submissions from 4 submitters: Likely pathogenic (4). Last evaluated 2024-11-29.

Conditions:
Hereditary cancer-predisposing syndrome. Also called: Neoplastic Syndromes, Hereditary; Tumor predisposition; Hereditary Cancer Syndrome; Hereditary neoplastic syndrome. Identifiers: Orphanet 140162, MedGen C0027672, MeSH D009386, MONDO:0015356.
Familial cancer of breast. Also called: BREAST CANCER, FAMILIAL; hereditary breast carcinoma; Hereditary breast cancer. Identifiers: Orphanet 227535, MedGen C0346153, MONDO:0016419, OMIM 114480. Disease mechanism: loss of function.

Allele frequency attached by ClinVar (database versions not stated): gnomAD exomes below 0.00001.

Submissions (4):

Molecular Pathology, Peter Maccallum Cancer Centre
Classification: Likely pathogenic for Familial cancer of breast. Last evaluated: 2024-11-29. Review status: criteria provided, single submitter. Criteria: ACMG Guidelines, 2015. Collection method: clinical testing. Allele origin: germline. Inheritance: Autosomal dominant inheritance.

Myriad Genetics, Inc.
Classification: Likely pathogenic for Familial cancer of breast. Last evaluated: 2023-06-28. Review status: criteria provided, single submitter. Criteria: Myriad Autosomal Dominant, Autosomal Recessive and X-Linked Classification Criteria (2023). Collection method: clinical testing. Allele origin: unknown.
Comment: This variant is considered likely pathogenic. This variant occurs within a consensus splice junction and is predicted to result in abnormal mRNA splicing of either an out-of-frame exon or an in-frame exon necessary for protein stability and/or normal function.

Labcorp Genetics (formerly Invitae), Labcorp
Classification: Likely pathogenic for Familial cancer of breast. Last evaluated: 2020-10-13. Review status: criteria provided, single submitter. Criteria: Invitae Variant Classification Sherloc (09022015). Collection method: clinical testing. Allele origin: germline.
Comment: In summary, the currently available evidence indicates that the variant is pathogenic, but additional data are needed to prove that conclusively. Therefore, this variant has been classified as Likely Pathogenic. Donor and acceptor splice site variants typically lead to a loss of protein function (PMID: 16199547), and loss-of-function variants in CHEK2 are known to be pathogenic (PMID: 21876083, 24713400). This variant has not been reported in the literature in individuals with CHEK2-related disease. ClinVar contains an entry for this variant (Variation ID: 234023). This variant is not present in population databases (ExAC no frequency). This sequence change affects a donor splice site in intron 12 of the CHEK2 gene. It is expected to disrupt RNA splicing and likely results in an absent or disrupted protein product.

Ambry Genetics
Classification: Likely pathogenic for Hereditary cancer-predisposing syndrome. Last evaluated: 2019-01-28. Review status: criteria provided, single submitter. Criteria: Ambry Variant Classification Scheme 2023. Collection method: clinical testing. Allele origin: germline.
Comment: The c.1375+1_1375+2delGT intronic variant, located in intron 11 of the CHEK2 gene, results from a deletion of two nucleotides within intron 11 of the CHEK2 gene. This nucleotide region is highly conserved in available vertebrate species. Using two different splice site prediction tools, this alteration is predicted by BDGP to abolish the native splice donor site, but is predicted to weaken (but not abolish) the efficiency of the native splice donor site by ESEfinder; however, direct evidence is unavailable. Alterations that disrupt the canonical splice site are expected to cause aberrant splicing, resulting in an abnormal protein or a transcript that is subject to nonsense-mediated mRNA decay. As such, this alteration is classified as likely pathogenic.

Literature cited by the submitters: PubMed 16199547 (cited by Labcorp Genetics (formerly Invitae), Labcorp); PubMed 21876083 (cited by Labcorp Genetics (formerly Invitae), Labcorp); PubMed 24713400 (cited by Labcorp Genetics (formerly Invitae), Labcorp).